The following is an entry in ClinVar:

NM_014370.4(SRPK3):c.154G>A (p.Asp52Asn)

Gene: SRPK3 (SRSF protein kinase 3; plus strand). Cytogenetic location: Xq28.
Variant type: single nucleotide variant.
Coding change: c.154G>A on transcript NM_014370.4 (MANE Select); coding-DNA position 154, G replaced by A.
Protein change: p.Asp52Asn; replaces aspartic acid 52 with asparagine.
Molecular consequence: missense variant.
Genome position (GRCh38, 1-based): chrX:153,781,310, G>A. VCF-style: chrX-153781310-G-A. GRCh37 (hg19) VCF-style: chrX-153046765-G-A.
Other names: c.154G>A, p.Asp52Asn (NM_001170760.2, NM_001170761.2); short protein forms D52N.
Identifiers: ClinVar variation 4872255 (VCV004872255.2).
Genomic context (GRCh38, chrX:153,781,310, plus strand): 5'-TCCGAACTAGCCCTGGCCACACCGGTGCCTCAGATGCTGCAGGGCCTTCTGGGCTCCGAC[G>A]ACGAGGAACAGGAAGACCCCAAAGACTACTGCAAGGGTGAGACTTGGCCTTGGGGACATG-3'
Protein context (NP_055185.2, residues 42-62): QMLQGLLGSD[Asp52Asn]EEQEDPKDYC

ClinVar aggregate classification (germline): Likely benign (1 of 4 stars; one submission).

Submission:

CeGaT Center for Human Genetics Tuebingen
Classification: Likely benign. Last evaluated: 2026-04-01. Review status: criteria provided, single submitter. Criteria: CeGaT Center For Human Genetics Tuebingen Variant Classification Criteria Version 2. Collection method: clinical testing. Allele origin: germline. Affected: yes. Observed: 1 variant allele.
Comment: SRPK3: BS2